The following is an entry in ClinVar:

NM_080680.3(COL11A2):c.3431G>T (p.Gly1144Val)

Gene: COL11A2 (collagen type XI alpha 2 chain; minus strand). Cytogenetic location: 6p21.32.
Variant type: single nucleotide variant.
Coding change: c.3431G>T on transcript NM_080680.3 (MANE Select); coding-DNA position 3431, G replaced by T.
Protein change: p.Gly1144Val; replaces glycine 1144 with valine.
Molecular consequence: missense variant.
Genome position (GRCh38, 1-based): chr6:33,170,853, C>A on the plus strand (G>T on the coding strand, the complement: COL11A2 is on the minus strand). VCF-style: chr6-33170853-C-A. GRCh37 (hg19) VCF-style: chr6-33138630-C-A.
Other names: c.3110G>T, p.Gly1037Val (NM_080679.3); c.3173G>T, p.Gly1058Val (NM_080681.3); short protein forms G1037V, G1058V, G1144V.
Identifiers: ClinVar variation 1312982 (VCV001312982.2), dbSNP rs2150543076, ClinGen allele CA363631351.

ClinVar aggregate classification (germline): Uncertain significance (1 of 4 stars; one submission).

Submission:

GeneDx
Classification: Uncertain significance. Last evaluated: 2020-07-06. Review status: criteria provided, single submitter. Criteria: GeneDx Variant Classification Process June 2021. Collection method: clinical testing. Allele origin: germline. Affected: yes.
Comment: Not observed in large population cohorts (Lek et al., 2016); In silico analysis supports that this missense variant has a deleterious effect on protein structure/function; Has not been previously published as pathogenic or benign to our knowledge